The following is an entry in ClinVar:

NM_003072.5(SMARCA4):c.4255G>T (p.Ala1419Ser)

Gene: SMARCA4 (SWI/SNF related BAF chromatin remodeling complex subunit ATPase 4; plus strand). Cytogenetic location: 19p13.2.
Variant type: single nucleotide variant.
Coding change: c.4255G>T on transcript NM_003072.5 (MANE Select); coding-DNA position 4255, G replaced by T.
Protein change: p.Ala1419Ser; replaces alanine 1419 with serine.
Molecular consequence: missense variant. On other transcripts: non-coding transcript variant (1).
Genome position (GRCh38, 1-based): chr19:11,041,391, G>T. VCF-style: chr19-11041391-G-T. GRCh37 (hg19) VCF-style: chr19-11152067-G-T.
Other names: c.4255G>T, p.Ala1419Ser (NM_001128844.3); c.4165G>T, p.Ala1389Ser (NM_001128845.2, NM_001128846.2); c.4156G>T, p.Ala1386Ser (NM_001128847.4, NM_001128848.2, NM_001374457.1); c.4351G>T, p.Ala1451Ser (NM_001128849.3, NM_001387283.1); c.4252G>T, p.Ala1418Ser (NM_001411150.1); short protein forms A1419S, A1451S, A1386S, A1389S, A1418S.
Identifiers: ClinVar variation 1739941 (VCV001739941.2), dbSNP rs374722116, ClinGen allele CA404073276.

ClinVar aggregate classification (germline): Uncertain significance (1 of 4 stars; one submission).

Conditions:
Hereditary cancer-predisposing syndrome. Also called: Hereditary Cancer Syndrome; Hereditary neoplastic syndrome; Neoplastic Syndromes, Hereditary; Tumor predisposition. Identifiers: Orphanet 140162, MedGen C0027672, MeSH D009386, MONDO:0015356.

Submission:

Ambry Genetics
Classification: Uncertain significance for Hereditary cancer-predisposing syndrome. Last evaluated: 2020-10-13. Review status: criteria provided, single submitter. Criteria: Ambry Variant Classification Scheme 2023. Collection method: clinical testing. Allele origin: germline.
Comment: The p.A1451S variant (also known as c.4351G>T), located in coding exon 30 of the SMARCA4 gene, results from a G to T substitution at nucleotide position 4351. The alanine at codon 1451 is replaced by serine, an amino acid with similar properties. This amino acid position is well conserved in available vertebrate species. In addition, this alteration is predicted to be tolerated by in silico analysis. Since supporting evidence is limited at this time, the clinical significance of this alteration remains unclear.